The following is an entry in ClinVar:

ClinVar aggregate classification (germline): Uncertain significance (1 of 4 stars; one submission).

Submission:

Labcorp Genetics (formerly Invitae), Labcorp
Classification: Uncertain significance. Last evaluated: 2021-06-28. Review status: criteria provided, single submitter. Criteria: Invitae Variant Classification Sherloc (09022015). Collection method: clinical testing. Allele origin: germline.
Comment: This variant is not present in population databases (ExAC no frequency). This variant has not been reported in the literature in individuals with MYLK3-related conditions. Algorithms developed to predict the effect of missense changes on protein structure and function are either unavailable or do not agree on the potential impact of this missense change (SIFT: "Tolerated"; PolyPhen-2: "Possibly Damaging"; Align-GVGD: "Class C0"). In summary, the available evidence is currently insufficient to determine the role of this variant in disease. Therefore, it has been classified as a Variant of Uncertain Significance. This sequence change replaces proline with serine at codon 493 of the MYLK3 protein (p.Pro493Ser). The proline residue is highly conserved and there is a moderate physicochemical difference between proline and serine.

NM_182493.3(MYLK3):c.1477C>T (p.Pro493Ser)

Gene: MYLK3 (myosin light chain kinase 3; minus strand). Cytogenetic location: 16q11.2.
Variant type: single nucleotide variant.
Coding change: c.1477C>T on transcript NM_182493.3 (MANE Select); coding-DNA position 1477, C replaced by T.
Protein change: p.Pro493Ser; replaces proline 493 with serine.
Molecular consequence: missense variant.
Genome position (GRCh38, 1-based): chr16:46,730,684, G>A on the plus strand (C>T on the coding strand, the complement: MYLK3 is on the minus strand). VCF-style: chr16-46730684-G-A. GRCh37 (hg19) VCF-style: chr16-46764596-G-A.
Other names: c.454C>T, p.Pro152Ser (NM_001308301.1); short protein forms P493S, P152S.
Identifiers: ClinVar variation 1364308 (VCV001364308.8), dbSNP rs2143014868, ClinGen allele CA395791800.